The following is an entry in ClinVar:

ClinVar aggregate classification (germline): Uncertain significance. Review status: criteria provided, multiple submitters, no conflicts (2 of 4 stars). 2 submissions from 2 submitters: Uncertain significance (2). Last evaluated 2026-04-01.

Conditions:
Inborn genetic diseases. Identifiers: MedGen C0950123, MeSH D030342.

Submissions (2):

Ambry Genetics
Classification: Uncertain significance for Inborn genetic diseases. Last evaluated: 2026-04-01. Review status: criteria provided, single submitter. Criteria: Ambry Variant Classification Scheme 2023. Collection method: clinical testing. Allele origin: germline.

GeneDx
Classification: Uncertain significance. Last evaluated: 2025-06-29. Review status: criteria provided, single submitter. Criteria: GeneDx Variant Classification Process June 2021. Collection method: clinical testing. Allele origin: germline. Affected: yes.
Comment: Not observed at significant frequency in large population cohorts (gnomAD); In silico analysis supports that this missense variant has a deleterious effect on protein structure/function; Has not been previously published as pathogenic or benign to our knowledge

NM_001042681.2(RERE):c.4598A>C (p.Glu1533Ala)

Gene: RERE (arginine-glutamic acid dipeptide repeats; minus strand). Cytogenetic location: 1p36.23.
Variant type: single nucleotide variant.
Coding change: c.4598A>C on transcript NM_001042681.2 (MANE Select); coding-DNA position 4598, A replaced by C.
Protein change: p.Glu1533Ala; replaces glutamic acid 1533 with alanine.
Molecular consequence: missense variant.
Genome position (GRCh38, 1-based): chr1:8,355,488, T>G on the plus strand (A>C on the coding strand, the complement: RERE is on the minus strand). VCF-style: chr1-8355488-T-G. GRCh37 (hg19) VCF-style: chr1-8415548-T-G.
Other names: c.2936A>C, p.Glu979Ala (NM_001042682.2); c.4598A>C, p.Glu1533Ala (NM_012102.4); short protein forms E1533A, E979A.
Identifiers: ClinVar variation 4539883 (VCV004539883.2).